The following is an entry in ClinVar:

ClinVar aggregate classification (germline): Pathogenic. Review status: criteria provided, multiple submitters, no conflicts (2 of 4 stars). 4 submissions from 4 submitters: Pathogenic (4). Last evaluated 2023-11-04.

Conditions:
USH2A-related disorder. Also called: USH2A-related condition; USH2A-related disorders. Identifiers: MedGen CN239332.
Retinitis pigmentosa 39 (RP39). Identifiers: Orphanet 791, MedGen C3151138, MONDO:0013436, OMIM 613809.

Allele frequency attached by ClinVar (database versions not stated): gnomAD exomes below 0.00001.
gnomAD v4.1: 1 of 1,613,888 alleles (0.000062%); highest among the groups gnomAD compares: Non-Finnish European, 0.000085%; no homozygotes.

Submissions (4):

Genome-Nilou Lab
Classification: Pathogenic for Retinitis pigmentosa 39. Last evaluated: 2023-11-04. Review status: criteria provided, single submitter. Criteria: ACMG Guidelines, 2015. Collection method: clinical testing. Allele origin: germline. Affected: no.

Baylor Genetics
Classification: Pathogenic for Retinitis pigmentosa 39. Last evaluated: 2023-10-12. Review status: criteria provided, single submitter. Criteria: ACMG Guidelines, 2015. Collection method: clinical testing. Allele origin: unknown.

Blueprint Genetics
Classification: Pathogenic for USH2A-related disorders. Last evaluated: 2021-02-04. Review status: criteria provided, single submitter. Criteria: ACMG Guidelines, 2015. Collection method: clinical testing. Allele origin: germline. Affected: yes. Observed: 2 variant alleles.

Labcorp Genetics (formerly Invitae), Labcorp
Classification: Pathogenic. Last evaluated: 2019-11-08. Review status: criteria provided, single submitter. Criteria: Invitae Variant Classification Sherloc (09022015). Collection method: clinical testing. Allele origin: germline.
Comment: For these reasons, this variant has been classified as Pathogenic. Loss-of-function variants in USH2A are known to be pathogenic (PMID: 10729113, 10909849, 20507924, 25649381). This sequence change creates a premature translational stop signal (p.Gln4235*) in the USH2A gene. It is expected to result in an absent or disrupted protein product. This variant is not present in population databases (ExAC no frequency). This variant has been observed in individual(s) affected with Usher syndrome (PMID: 27460420, 25333064).

Literature cited by the submitters: PubMed 10729113 (cited by Labcorp Genetics (formerly Invitae), Labcorp); PubMed 10909849 (cited by Labcorp Genetics (formerly Invitae), Labcorp); PubMed 20507924 (cited by Labcorp Genetics (formerly Invitae), Labcorp); PubMed 25649381 (cited by Labcorp Genetics (formerly Invitae), Labcorp); PubMed 27460420 (cited by Labcorp Genetics (formerly Invitae), Labcorp); PubMed 25333064 (cited by Labcorp Genetics (formerly Invitae), Labcorp).

NM_206933.4(USH2A):c.12703C>T (p.Gln4235Ter)

Gene: USH2A (usherin; minus strand). Cytogenetic location: 1q41.
Variant type: single nucleotide variant.
Coding change: c.12703C>T on transcript NM_206933.4 (MANE Select); coding-DNA position 12703, C replaced by T.
Protein change: p.Gln4235Ter; replaces glutamine 4235 with a stop codon.
Molecular consequence: nonsense.
Genome position (GRCh38, 1-based): chr1:215,675,208, G>A on the plus strand (C>T on the coding strand, the complement: USH2A is on the minus strand). VCF-style: chr1-215675208-G-A. GRCh37 (hg19) VCF-style: chr1-215848550-G-A.
Other names: short protein forms Q4235*.
Identifiers: ClinVar variation 865933 (VCV000865933.14), dbSNP rs1657976232, ClinGen allele CA344849740.